The following is an entry in ClinVar:

ClinVar aggregate classification (germline): Uncertain significance (1 of 4 stars; one submission).

Conditions:
Inborn genetic diseases. Identifiers: MedGen C0950123, MeSH D030342.

gnomAD v4.1: 3 of 1,614,088 alleles (0.00019%); highest among the groups gnomAD compares: African/African-American, 0.0027%; no homozygotes.

Submission:

Ambry Genetics
Classification: Uncertain significance for Inborn genetic diseases. Last evaluated: 2025-05-27. Review status: criteria provided, single submitter. Criteria: Ambry Variant Classification Scheme 2023. Collection method: clinical testing. Allele origin: germline.
Comment: The p.H135Y variant (also known as c.403C>T), located in coding exon 3 of the ANKRD26 gene, results from a C to T substitution at nucleotide position 403. The histidine at codon 135 is replaced by tyrosine, an amino acid with similar properties. This amino acid position is conserved. In addition, this alteration is predicted to be tolerated by in silico analysis. Based on the available evidence, the clinical significance of this variant remains unclear.

NM_014915.3(ANKRD26):c.403C>T (p.His135Tyr)

Gene: ANKRD26 (ankyrin repeat domain containing 26; minus strand). Cytogenetic location: 10p12.1.
Variant type: single nucleotide variant.
Coding change: c.403C>T on transcript NM_014915.3 (MANE Select); coding-DNA position 403, C replaced by T.
Protein change: p.His135Tyr; replaces histidine 135 with tyrosine.
Molecular consequence: missense variant.
Genome position (GRCh38, 1-based): chr10:27,093,477, G>A on the plus strand (C>T on the coding strand, the complement: ANKRD26 is on the minus strand). VCF-style: chr10-27093477-G-A. GRCh37 (hg19) VCF-style: chr10-27382406-G-A.
Other names: c.403C>T, p.His135Tyr (NM_001256053.2); short protein forms H135Y.
Identifiers: ClinVar variation 3914831 (VCV003914831.1).
Genomic context (GRCh38, chr10:27,093,477, plus strand): 5'-AGACAGCATAGTGAAGAGCAGTGTTGCCATGGACATCCGCAAGATTTGGATCAGCACCAT[G>A]TTCTAGCAGAATAGTTGCACATTTCTCTTCCTGGCATTGTACAGCCTGGGAGTATTAGAC-3'
Protein context (NP_055730.2, residues 125-145): EEKCATILLE[His135Tyr]GADPNLADVH